The following is an entry in ClinVar:

NM_000090.4(COL3A1):c.300T>A (p.Asn100Lys)

Gene: COL3A1 (collagen type III alpha 1 chain; plus strand). Cytogenetic location: 2q32.2.
Variant type: single nucleotide variant.
Coding change: c.300T>A on transcript NM_000090.4 (MANE Select); coding-DNA position 300, T replaced by A.
Protein change: p.Asn100Lys; replaces asparagine 100 with lysine.
Molecular consequence: missense variant.
Genome position (GRCh38, 1-based): chr2:188,985,214, T>A. VCF-style: chr2-188985214-T-A. GRCh37 (hg19) VCF-style: chr2-189849940-T-A.
Other names: short protein forms N100K.
Identifiers: ClinVar variation 921016 (VCV000921016.6), dbSNP rs776373729, ClinGen allele CA349847549.
Genomic context (GRCh38, chr2:188,985,214, plus strand): 5'-AAATTCTGTGTCTTGTTTAACTTGTTTCTTTTCCATTTATTAGCCTACTCGCCCTCCTAA[T>A]GGTCAAGGACCTCAAGGCCCCAAGGGAGATCCAGTAAGTAAACATTCTTCAGTAGAATAA-3'
Protein context (NP_000081.2, residues 90-110): QPPTAPTRPP[Asn100Lys]GQGPQGPKGD

ClinVar aggregate classification (germline): Uncertain significance. Review status: criteria provided, multiple submitters, no conflicts (2 of 4 stars). 2 submissions from 2 submitters: Uncertain significance (2). Last evaluated 2025-05-05.

Conditions:
Familial thoracic aortic aneurysm and aortic dissection (TAAD). Also called: Thoracic aortic aneurysms and dissections. Identifiers: Orphanet 91387, MedGen C4707243, MONDO:0019625.

Submissions (2):

Revvity Omics, Revvity
Classification: Uncertain significance. Last evaluated: 2025-05-05. Review status: criteria provided, single submitter. Criteria: ACMG Guidelines, 2015. Collection method: clinical testing. Allele origin: germline.

Color Diagnostics, LLC DBA Color Health
Classification: Uncertain significance for Familial thoracic aortic aneurysm and aortic dissection. Last evaluated: 2023-12-05. Review status: criteria provided, single submitter. Criteria: ACMG Guidelines, 2015. Collection method: clinical testing. Allele origin: germline.
Comment: Variant of Uncertain Significance due to insufficient evidence: This missense variant is located in the N-terminal propeptide of the COL3A1 protein. Computational prediction tools and conservation analyses are inconclusive regarding the impact of this variant on the protein function. Computational splicing tools suggest that this variant may impact RNA splicing by creating a new splice acceptor site. To our knowledge, functional assays have not been performed for this variant nor has this variant been reported in individuals affected with cardiovascular disorders in the literature. This variant is rare in the general population and has been identified in 0/277264 chromosomes by the Genome Aggregation Database (gnomAD). Available evidence is insufficient to determine the pathogenicity of this variant conclusively.